The following is an entry in ClinVar:

NM_000051.4(ATM):c.6713A>T (p.Glu2238Val)

Genes: ATM (ATM serine/threonine kinase; plus strand), C11orf65 (chromosome 11 open reading frame 65; minus strand). Cytogenetic location: 11q22.3.
Variant type: single nucleotide variant.
Coding change: c.6713A>T on transcript NM_000051.4 (MANE Select); coding-DNA position 6713, A replaced by T.
Protein change: p.Glu2238Val; replaces glutamic acid 2238 with valine.
Molecular consequence: missense variant. On other transcripts: intron variant (2).
Genome position (GRCh38, 1-based): chr11:108,325,450, A>T. VCF-style: chr11-108325450-A-T. GRCh37 (hg19) VCF-style: chr11-108196177-A-T.
Other names: c.6713A>T, p.Glu2238Val (NM_001351834.2); c.641-16379T>A (NM_001330368.2); c.*38+9770T>A (NM_001351110.2); short protein forms E2238V.
Identifiers: ClinVar variation 826570 (VCV000826570.13), dbSNP rs1591129372, ClinGen allele CA382555018.

ClinVar aggregate classification (germline): Uncertain significance. Review status: criteria provided, multiple submitters, no conflicts (2 of 4 stars). 2 submissions from 2 submitters: Uncertain significance (2). Last evaluated 2025-12-21.

Conditions:
Hereditary cancer-predisposing syndrome. Also called: Tumor predisposition; Neoplastic Syndromes, Hereditary; Hereditary Cancer Syndrome; Hereditary neoplastic syndrome. Identifiers: Orphanet 140162, MedGen C0027672, MeSH D009386, MONDO:0015356.
Ataxia-telangiectasia syndrome (AT). Also called: ATAXIA-TELANGIECTASIA, COMPLEMENTATION GROUP A; ATAXIA-TELANGIECTASIA, FRESNO VARIANT; Ataxia-telangiectasia; Ataxia-telangiectasia, complementation group D; AT, COMPLEMENTATION GROUP C; Ataxia-telangiectasia, complementation group E. Identifiers: Orphanet 100, MedGen C0004135, MONDO:0008840, OMIM 208900.

Submissions (2):

Labcorp Genetics (formerly Invitae), Labcorp
Classification: Uncertain significance for Ataxia-telangiectasia syndrome. Last evaluated: 2025-12-21. Review status: criteria provided, single submitter. Criteria: Invitae Variant Classification Sherloc (09022015). Collection method: clinical testing. Allele origin: germline.
Comment: This sequence change replaces glutamic acid, which is acidic and polar, with valine, which is neutral and non-polar, at codon 2238 of the ATM protein (p.Glu2238Val). This variant is not present in population databases (gnomAD no frequency). This variant has not been reported in the literature in individuals affected with ATM-related conditions. ClinVar contains an entry for this variant (Variation ID: 826570). Invitae Evidence Modeling of protein sequence and biophysical properties (such as structural, functional, and spatial information, amino acid conservation, physicochemical variation, residue mobility, and thermodynamic stability) indicates that this missense variant is not expected to disrupt ATM protein function with a negative predictive value of 95%. In summary, the available evidence is currently insufficient to determine the role of this variant in disease. Therefore, it has been classified as a Variant of Uncertain Significance.

Ambry Genetics
Classification: Uncertain significance for Hereditary cancer-predisposing syndrome. Last evaluated: 2024-02-01. Review status: criteria provided, single submitter. Criteria: Ambry Variant Classification Scheme 2023. Collection method: clinical testing. Allele origin: germline.
Comment: The p.E2238V variant (also known as c.6713A>T), located in coding exon 45 of the ATM gene, results from an A to T substitution at nucleotide position 6713. The glutamic acid at codon 2238 is replaced by valine, an amino acid with dissimilar properties. This amino acid position is not well conserved in available vertebrate species. In addition, this alteration is predicted to be tolerated by in silico analysis. Since supporting evidence is limited at this time, the clinical significance of this alteration remains unclear.